The following is an entry in ClinVar:

NM_002693.3(POLG):c.3708_3709delinsTT (p.Gln1236_Pro1237delinsHisSer)

Genes: FANCI (FA complementation group I; plus strand), POLG (DNA polymerase gamma, catalytic subunit; minus strand). Cytogenetic location: 15q26.1.
Variant type: Indel.
Coding change: c.3708_3709delinsTT on transcript NM_002693.3 (MANE Select); coding-DNA positions 3708 to 3709, GC replaced by TT.
Protein change: p.Gln1236_Pro1237delinsHisSer.
Molecular consequence: missense variant. On other transcripts: 3 prime UTR variant (4).
Genome position (GRCh38, 1-based): chr15:89,316,762-89,316,763, GC replaced by AA on the plus strand (GC replaced by TT on the coding strand, the reverse complement: POLG is on the minus strand). VCF-style: chr15-89316762-GC-AA. GRCh37 (hg19) VCF-style: chr15-89859993-GC-AA.
Other names: c.3708_3709delinsTT, p.Gln1236_Pro1237delinsHisSer (NM_001126131.2); c.*303_*304delinsAA (NM_001113378.2, NM_001376910.1, NM_001376911.1 and 1 more transcripts).
Identifiers: ClinVar variation 3666859 (VCV003666859.2).

ClinVar aggregate classification (germline): Uncertain significance (1 of 4 stars; one submission).

Conditions:
Progressive sclerosing poliodystrophy (MTDPS4A). Also called: ALPERS PROGRESSIVE INFANTILE POLIODYSTROPHY; NEURONAL DEGENERATION OF CHILDHOOD WITH LIVER DISEASE, PROGRESSIVE; Alpers Syndrome; ALPERS DIFFUSE DEGENERATION OF CEREBRAL GRAY MATTER WITH HEPATIC CIRRHOSIS; Alpers-Huttenlocher Syndrome; Mitochondrial DNA depletion syndrome 4A (Alpers type). Identifiers: Orphanet 726, MedGen C0205710, MONDO:0008758, OMIM 203700.

Submission:

Labcorp Genetics (formerly Invitae), Labcorp
Classification: Uncertain significance for Progressive sclerosing poliodystrophy. Last evaluated: 2024-02-05. Review status: criteria provided, single submitter. Criteria: Invitae Variant Classification Sherloc (09022015). Collection method: clinical testing. Allele origin: germline.
Comment: This variant, c.3708_3709delinsTT, is a complex sequence change that results in the deletion of 2 and insertion of 2 amino acid(s) in the POLG protein (p.Gln1236_Pro1237delinsHisSer). Information on the frequency of this variant in the gnomAD database is not available, as this variant may be reported differently in the database. This variant has not been reported in the literature in individuals affected with POLG-related conditions. Experimental studies and prediction algorithms are not available or were not evaluated, and the functional significance of this variant is currently unknown. In summary, the available evidence is currently insufficient to determine the role of this variant in disease. Therefore, it has been classified as a Variant of Uncertain Significance.